The following is an entry in ClinVar:

NM_000528.4(MAN2B1):c.2690C>T (p.Pro897Leu)

Genes: MAN2B1 (mannosidase alpha class 2B member 1; minus strand), LOC130063648 (ATAC-STARR-seq lymphoblastoid active region 14063; plus strand). Cytogenetic location: 19p13.13.
Variant type: single nucleotide variant.
Coding change: c.2690C>T on transcript NM_000528.4 (MANE Select); coding-DNA position 2690, C replaced by T.
Protein change: p.Pro897Leu; replaces proline 897 with leucine.
Molecular consequence: missense variant.
Genome position (GRCh38, 1-based): chr19:12,647,573, G>A on the plus strand (C>T on the coding strand, the complement: MAN2B1 is on the minus strand). VCF-style: chr19-12647573-G-A. GRCh37 (hg19) VCF-style: chr19-12758387-G-A.
Other names: c.2687C>T, p.Pro896Leu (NM_001173498.2); c.2690C>T (NM_000528.3); short protein forms P896L, P897L.
Identifiers: ClinVar variation 2044507 (VCV002044507.2), dbSNP rs1195402115, ClinGen allele CA404238158.

ClinVar aggregate classification (germline): Uncertain significance. Review status: criteria provided, multiple submitters, no conflicts (2 of 4 stars). 2 submissions from 2 submitters: Uncertain significance (2). Last evaluated 2025-07-15.

Conditions:
Deficiency of alpha-mannosidase (MANSA). Also called: LYSOSOMAL ALPHA-D-MANNOSIDASE DEFICIENCY; Mannosidosis, alpha-, types I and II; Alpha-Mannosidosis. Identifiers: Orphanet 61, MedGen C0024748, MONDO:0009561, OMIM 248500.
Inborn genetic diseases. Identifiers: MedGen C0950123, MeSH D030342.

gnomAD v4.1: 24 of 1,613,970 alleles (0.0015%); highest among the groups gnomAD compares: East Asian, 0.0022%; no homozygotes.

Submissions (2):

Ambry Genetics
Classification: Uncertain significance for Inborn genetic diseases. Last evaluated: 2025-07-15. Review status: criteria provided, single submitter. Criteria: Ambry Variant Classification Scheme 2023. Collection method: clinical testing. Allele origin: germline.

Labcorp Genetics (formerly Invitae), Labcorp
Classification: Uncertain significance for Deficiency of alpha-mannosidase. Last evaluated: 2022-08-12. Review status: criteria provided, single submitter. Criteria: Invitae Variant Classification Sherloc (09022015). Collection method: clinical testing. Allele origin: germline.
Comment: This sequence change replaces proline, which is neutral and non-polar, with leucine, which is neutral and non-polar, at codon 897 of the MAN2B1 protein (p.Pro897Leu). This variant is present in population databases (no rsID available, gnomAD 0.006%). This variant has not been reported in the literature in individuals affected with MAN2B1-related conditions. Algorithms developed to predict the effect of missense changes on protein structure and function output the following: SIFT: "Deleterious"; PolyPhen-2: "Possibly Damaging"; Align-GVGD: "Class C0". The leucine amino acid residue is found in multiple mammalian species, which suggests that this missense change does not adversely affect protein function. In summary, the available evidence is currently insufficient to determine the role of this variant in disease. Therefore, it has been classified as a Variant of Uncertain Significance.